The following is an entry in ClinVar:

ClinVar aggregate classification (germline): Pathogenic. Review status: criteria provided, multiple submitters, no conflicts (2 of 4 stars). 2 submissions from 2 submitters: Pathogenic (2). Last evaluated 2025-02-27.

Conditions:
Hypertrophic cardiomyopathy. Also called: HYPERTROPHIC MYOCARDIOPATHY. Identifiers: Orphanet 217569, MedGen C0007194, MeSH D002312, MONDO:0005045, HP:0001639.

Submissions (2):

Labcorp Genetics (formerly Invitae), Labcorp
Classification: Pathogenic for Hypertrophic cardiomyopathy. Last evaluated: 2025-02-27. Review status: criteria provided, single submitter. Criteria: Invitae Variant Classification Sherloc (09022015). Collection method: clinical testing. Allele origin: germline.
Comment: This sequence change affects a donor splice site in intron 30 of the MYBPC3 gene. It is expected to disrupt RNA splicing. Variants that disrupt the donor or acceptor splice site typically lead to a loss of protein function (PMID: 16199547), and loss-of-function variants in MYBPC3 are known to be pathogenic (PMID: 19574547). This variant is not present in population databases (gnomAD no frequency). Disruption of this splice site has been observed in individuals with hypertrophic cardiomyopathy (PMID: 17937428, 18258667, 18467358). ClinVar contains an entry for this variant (Variation ID: 181007). Algorithms developed to predict the effect of sequence changes on RNA splicing suggest that this variant may disrupt the consensus splice site. For these reasons, this variant has been classified as Pathogenic.

GeneDx
Classification: Pathogenic. Last evaluated: 2012-08-22. Review status: criteria provided, single submitter. Criteria: GeneDx Variant Classification (06012015). Collection method: clinical testing. Allele origin: germline. Affected: yes.
Comment: This mutation is denoted c.3330+2 T>C:IVS30+2 T>C in intron 30 of the MYBPC3 gene (NM_000256.3). The c.3330+2 T>C mutation in the MYBPC3 gene has been reported previously in association with HCM (Waldmuller S et al., 2008). In addition, a different nucleotide substitution at this position, c.3330+2 T>G, also results in a splice site mutation and has been reported multiple times in association with HCM (Xin B et al., 2007; Morita H et al., 2008). The c.3330+2 T>C mutation destroys the consensus splice donor site of intron 30, and is expected to cause abnormal gene splicing. This mutation is expected to lead to either an abnormal message that is subject to nonsense-mediated mRNA decay, or to an abnormal protein product if the message is used for protein translation. Other splice site mutations in the MYBPC3 gene have been reported in association with HCM. In summary, c.3330+2 T>C in the MYBPC3 gene is interpreted as a disease-causing mutation. The variant is found in HCM panel(s).

Literature cited by the submitters: PubMed 16199547 (cited by Labcorp Genetics (formerly Invitae), Labcorp); PubMed 19574547 (cited by Labcorp Genetics (formerly Invitae), Labcorp); PubMed 17937428 (cited by Labcorp Genetics (formerly Invitae), Labcorp); PubMed 18258667 (cited by Labcorp Genetics (formerly Invitae), Labcorp); PubMed 18467358 (cited by Labcorp Genetics (formerly Invitae), Labcorp).

NM_000256.3(MYBPC3):c.3330+2T>C

Gene: MYBPC3 (myosin binding protein C3; minus strand). Cytogenetic location: 11p11.2.
Variant type: single nucleotide variant.
Coding change: c.3330+2T>C on transcript NM_000256.3 (MANE Select); the canonical splice donor site of the intron after coding-DNA position 3330, T replaced by C.
Molecular consequence: splice donor variant.
Genome position (GRCh38, 1-based): chr11:47,333,192, A>G on the plus strand (T>C on the coding strand, the complement: MYBPC3 is on the minus strand). VCF-style: chr11-47333192-A-G. GRCh37 (hg19) VCF-style: chr11-47354743-A-G.
Identifiers: ClinVar variation 181007 (VCV000181007.12), dbSNP rs387906397, ClinGen allele CA013942.